The following is an entry in ClinVar:

NM_017636.4(TRPM4):c.3452C>T (p.Thr1151Met)

Gene: TRPM4 (transient receptor potential cation channel subfamily M member 4; plus strand). Cytogenetic location: 19q13.33.
Variant type: single nucleotide variant.
Coding change: c.3452C>T on transcript NM_017636.4 (MANE Select); coding-DNA position 3452, C replaced by T.
Protein change: p.Thr1151Met; replaces threonine 1151 with methionine.
Molecular consequence: missense variant.
Genome position (GRCh38, 1-based): chr19:49,210,833, C>T. VCF-style: chr19-49210833-C-T. GRCh37 (hg19) VCF-style: chr19-49714090-C-T.
Other names: c.3017C>T, p.Thr1006Met (NM_001195227.2); c.3107C>T, p.Thr1036Met (NM_001321281.2); c.1844C>T, p.Thr615Met (NM_001321282.2); c.2930C>T, p.Thr977Met (NM_001321283.2); c.2390C>T, p.Thr797Met (NM_001321285.2); short protein forms T1006M, T1036M, T1151M, T615M, T797M, T977M.
Identifiers: ClinVar variation 2578087 (VCV002578087.1), dbSNP rs1339715226, ClinGen allele CA406773233.

ClinVar aggregate classification (germline): Uncertain significance (1 of 4 stars; one submission).

Allele frequency attached by ClinVar (database versions not stated): TOPMed below 0.00001.
gnomAD v4.1: 1 of 1,611,346 alleles (0.000062%); highest among the groups gnomAD compares: Non-Finnish European, 0.000085%; no homozygotes.

Submission:

GeneDx
Classification: Uncertain significance. Last evaluated: 2023-03-02. Review status: criteria provided, single submitter. Criteria: GeneDx Variant Classification Process June 2021. Collection method: clinical testing. Allele origin: germline. Affected: yes.
Comment: Has not been previously published as pathogenic or benign to our knowledge; Not observed at significant frequency in large population cohorts (gnomAD); In silico analysis supports that this missense variant has a deleterious effect on protein structure/function